The following is an entry in ClinVar:

NM_001458.5(FLNC):c.6023A>G (p.Lys2008Arg)

Genes: FLNC (filamin C; plus strand), FLNC-AS1 (FLNC antisense RNA 1; minus strand). Cytogenetic location: 7q32.1.
Variant type: single nucleotide variant.
Coding change: c.6023A>G on transcript NM_001458.5 (MANE Select); coding-DNA position 6023, A replaced by G.
Protein change: p.Lys2008Arg; replaces lysine 2008 with arginine.
Molecular consequence: missense variant.
Genome position (GRCh38, 1-based): chr7:128,852,846, A>G. VCF-style: chr7-128852846-A-G. GRCh37 (hg19) VCF-style: chr7-128492900-A-G.
Other names: c.5924A>G, p.Lys1975Arg (NM_001127487.2); short protein forms K2008R, K1975R.
Identifiers: ClinVar variation 2123761 (VCV002123761.4), dbSNP rs2536659981, ClinGen allele CA369210941.
Genomic context (GRCh38, chr7:128,852,846, plus strand): 5'-GGGGGCCCACAGGATGCTCTGCCTAACACCCACTTTCCACAGGGATCTCCTTCACCCCCA[A>G]GGAGGTCGGGGAGCACGTGGTGAGCGTGCGCAAGAGTGGCAAGCATGTCACCAACAGCCC-3'
Protein context (NP_001449.3, residues 1998-2018): NRHIGISFTP[Lys2008Arg]EVGEHVVSVR

ClinVar aggregate classification (germline): Uncertain significance (1 of 4 stars; one submission).

Conditions:
Myofibrillar myopathy 5. Also called: Filaminopathy (type); FILAMINOPATHY, AUTOSOMAL DOMINANT. Identifiers: Orphanet 171445, MedGen C1836050, MONDO:0012289, OMIM 609524.
Distal myopathy with posterior leg and anterior hand involvement. Also called: WILLIAMS DISTAL MYOPATHY. Identifiers: Orphanet 63273, MedGen C3279722, MONDO:0013550, OMIM 614065.
Hypertrophic cardiomyopathy 26. Also called: Cardiomyopathy, familial hypertrophic, 26. Identifiers: Orphanet 75249, MedGen C4310749, MONDO:0014883, OMIM 617047.

Submission:

Labcorp Genetics (formerly Invitae), Labcorp
Classification: Uncertain significance for Distal myopathy with posterior leg and anterior hand involvement; Myofibrillar myopathy 5; Hypertrophic cardiomyopathy 26. Last evaluated: 2022-04-09. Review status: criteria provided, single submitter. Criteria: Invitae Variant Classification Sherloc (09022015). Collection method: clinical testing. Allele origin: germline.
Comment: In summary, the available evidence is currently insufficient to determine the role of this variant in disease. Therefore, it has been classified as a Variant of Uncertain Significance. Algorithms developed to predict the effect of sequence changes on RNA splicing suggest that this variant may disrupt the consensus splice site. Algorithms developed to predict the effect of missense changes on protein structure and function are either unavailable or do not agree on the potential impact of this missense change (SIFT: "Tolerated"; PolyPhen-2: "Probably Damaging"; Align-GVGD: "Class C0"). This variant has not been reported in the literature in individuals affected with FLNC-related conditions. This variant is not present in population databases (gnomAD no frequency). This sequence change replaces lysine, which is basic and polar, with arginine, which is basic and polar, at codon 2008 of the FLNC protein (p.Lys2008Arg).